The following is an entry in ClinVar:

ClinVar aggregate classification (germline): Uncertain significance (0 of 4 stars; one submission).

Conditions:
Lynch syndrome. Identifiers: Orphanet 144, MedGen C4552100, MONDO:0005835. Disease mechanism: loss of function.

Submission:

Labcorp Genetics (formerly Invitae), Labcorp
Classification: Uncertain significance for Lynch syndrome. Last evaluated: 2014-06-11. Review status: no assertion criteria provided. Collection method: clinical testing. Allele origin: germline.
Comment: The interpretation for this sequence variant was made by Invitae based on the ACMG guidelines.

NM_002354.3(EPCAM):c.764A>C (p.Lys255Thr)

Gene: EPCAM (epithelial cell adhesion molecule; plus strand). Cytogenetic location: 2p21.
Variant type: single nucleotide variant.
Coding change: c.764A>C on transcript NM_002354.3 (MANE Select); coding-DNA position 764, A replaced by C.
Protein change: p.Lys255Thr; replaces lysine 255 with threonine.
Molecular consequence: missense variant.
Genome position (GRCh38, 1-based): chr2:47,379,875, A>C. VCF-style: chr2-47379875-A-C. GRCh37 (hg19) VCF-style: chr2-47607014-A-C.
Other names: short protein forms K255T.
Identifiers: ClinVar variation 136029 (VCV000136029.1), dbSNP rs587780771, ClinGen allele CA332797.